The following is an entry in ClinVar:

ClinVar aggregate classification (germline): Uncertain significance (1 of 4 stars; one submission).

Conditions:
Duchenne muscular dystrophy (DMD). Also called: Duchenne Muscular Dystrophy (DMD); MUSCULAR DYSTROPHY, PSEUDOHYPERTROPHIC PROGRESSIVE, DUCHENNE TYPE. Identifiers: Orphanet 98896, MedGen C0013264, MONDO:0010679, OMIM 310200.

Submission:

Labcorp Genetics (formerly Invitae), Labcorp
Classification: Uncertain significance for Duchenne muscular dystrophy. Last evaluated: 2022-08-23. Review status: criteria provided, single submitter. Criteria: Invitae Variant Classification Sherloc (09022015). Collection method: clinical testing. Allele origin: germline.
Comment: This variant results in a copy number gain of the genomic region encompassing exon(s) 64 of the DMD gene. While the exact position of this variant cannot be determined from the data, sub-genic copy number gains are generally in tandem (PMID: 25640679). This variant is predicted to be in-frame, and likely preserves the integrity of the reading frame. A similar copy number variant has been observed in individual(s) with Becker/Duchenne muscular dystrophy (PMID: 18683213). Experimental studies and prediction algorithms are not available or were not evaluated, and the functional significance of this variant is currently unknown. In summary, the available evidence is currently insufficient to determine the role of this variant in disease. Therefore, it has been classified as a Variant of Uncertain Significance.

Literature cited by the submitters: PubMed 25640679; PubMed 18683213.

NC_000023.10:g.(?_31241144)_(31241258_?)dup

Gene: DMD (dystrophin; minus strand). Cytogenetic location: Xp21.2.
Variant type: Duplication.
Identifiers: ClinVar variation 2424946 (VCV002424946.5).